The following is an entry in ClinVar:

ClinVar aggregate classification (germline): Conflicting classifications of pathogenicity. Review status: criteria provided, conflicting classifications (1 of 4 stars). 3 submissions from 3 submitters: Uncertain significance (2); Likely benign (1). Last evaluated 2026-03-09.

Conditions:
Ehlers-Danlos syndrome, classic type, 1 (EDSCL1). Also called: Ehlers-Danlos Syndrome, Classic Type, COL5A1-Related; EHLERS-DANLOS SYNDROME, GRAVIS TYPE; EHLERS-DANLOS SYNDROME, SEVERE CLASSIC TYPE; Ehlers-Danlos syndrome, type 1; EDS I. Identifiers: MedGen C0268335, MONDO:0019567, OMIM 130000.
Familial thoracic aortic aneurysm and aortic dissection (TAAD). Also called: Thoracic aortic aneurysms and dissections. Identifiers: Orphanet 91387, MedGen C4707243, MONDO:0019625.

Allele frequency attached by ClinVar (database versions not stated): TOPMed below 0.00001; gnomAD 0.00001.
gnomAD v4.1: 4 of 1,613,950 alleles (0.00025%); highest among the groups gnomAD compares: African/African-American, 0.0053%; no homozygotes.

Submissions (3):

Ambry Genetics
Classification: Uncertain significance for Familial thoracic aortic aneurysm and aortic dissection. Last evaluated: 2026-03-09. Review status: criteria provided, single submitter. Criteria: Ambry Variant Classification Scheme 2023. Collection method: clinical testing. Allele origin: germline.

Labcorp Genetics (formerly Invitae), Labcorp
Classification: Likely benign for Ehlers-Danlos syndrome, classic type, 1. Last evaluated: 2022-12-07. Review status: criteria provided, single submitter. Criteria: Invitae Variant Classification Sherloc (09022015). Collection method: clinical testing. Allele origin: germline.

GeneDx
Classification: Uncertain significance. Last evaluated: 2015-05-12. Review status: criteria provided, single submitter. Criteria: GeneDx Variant Classification (06012015). Collection method: clinical testing. Allele origin: germline. Affected: yes.
Comment: TAAD is a genetically heterogeneous disorder characterized by aortic dilatation, aneurysms, dissections and/or aneurysms of other major arteries. p.Pro1195Ala (P1195A) CCA>GCA: c.3583 C>G in exon 50 of the COL5A2 gene (NM_000393.3)A variant of unknown significance has been identified in the COL5A2 gene. The P1195A variant has not been published as a mutation, nor has it been reported as a benign polymorphism to our knowledge. The P1195A variant was not observed in approximately 6500 individuals of European and African American ancestry in the NHLBI Exome Sequencing Project, indicating it is not a common benign variant in these populations. The P1195A variant is a semi-conservative amino acid substitution, which may impact secondary protein structure as these residues differ in some properties. This substitution occurs at a position that is conserved across species. However, in silico analysis is inconsistent in its predictions as to whether or not the variant is damaging to the protein structure/function. Additionally, no missense mutations in nearby residues have been reported in association with EDS suggesting this region of the protein may be tolerant of change. Finally, the P1195A variant does not affect a Glycine residue in a Gly-X-Y motif in the triple helical region of the COL5A2 gene, where the majority of missense mutations. Therefore, based on the currently available information, it is unclear whether this variant is a pathogenic mutation or a rare benign variant. This result cannot be interpreted for diagnosis or used for family member screening at this time. This variant was found in TAADV2-PANCARD.

NM_000393.5(COL5A2):c.3583C>G (p.Pro1195Ala)

Gene: COL5A2 (collagen type V alpha 2 chain; minus strand). Cytogenetic location: 2q32.2.
Variant type: single nucleotide variant.
Coding change: c.3583C>G on transcript NM_000393.5 (MANE Select); coding-DNA position 3583, C replaced by G.
Protein change: p.Pro1195Ala; replaces proline 1195 with alanine.
Molecular consequence: missense variant.
Genome position (GRCh38, 1-based): chr2:189,041,636, G>C on the plus strand (C>G on the coding strand, the complement: COL5A2 is on the minus strand). VCF-style: chr2-189041636-G-C. GRCh37 (hg19) VCF-style: chr2-189906362-G-C.
Other names: p.P1195A:CCA>GCA; short protein forms P1195A.
Identifiers: ClinVar variation 213122 (VCV000213122.6), dbSNP rs863223496, ClinGen allele CA321556.